The following is an entry in ClinVar:

ClinVar aggregate classification (germline): Pathogenic. Review status: criteria provided, multiple submitters, no conflicts (2 of 4 stars). 3 submissions from 3 submitters: Pathogenic (2). 1 of the submissions does not count toward it. Last evaluated 2025-05-11.

Conditions:
Glycogen storage disease due to muscle and heart glycogen synthase deficiency. Also called: GSD 0b; MUSCLE GLYCOGEN SYNTHASE DEFICIENCY. Identifiers: Orphanet 137625, MedGen C1969054, MONDO:0012693, OMIM 611556.

Allele frequency attached by ClinVar (database versions not stated): gnomAD exomes below 0.00001 and 0.00001; TOPMed below 0.00001; ExAC 0.00001.
gnomAD v4.1: 6 of 1,614,016 alleles (0.00037%); highest among the groups gnomAD compares: Non-Finnish European, 0.00051%; no homozygotes.

Submissions (3):

Labcorp Genetics (formerly Invitae), Labcorp
Classification: Pathogenic for Glycogen storage disease due to muscle and heart glycogen synthase deficiency. Last evaluated: 2025-05-11. Review status: criteria provided, single submitter. Criteria: Invitae Variant Classification Sherloc (09022015). Collection method: clinical testing. Allele origin: germline.
Comment: This sequence change creates a premature translational stop signal (p.Arg462*) in the GYS1 gene. It is expected to result in an absent or disrupted protein product. Loss-of-function variants in GYS1 are known to be pathogenic (PMID: 17928598, 19699667). This variant is present in population databases (rs121434584, gnomAD 0.002%). This premature translational stop signal has been observed in individual(s) with glycogen storage disease (PMID: 17928598). It has also been observed to segregate with disease in related individuals. ClinVar contains an entry for this variant (Variation ID: 16057). For these reasons, this variant has been classified as Pathogenic.

Revvity Omics, Revvity
Classification: Pathogenic for Glycogen storage disease due to muscle and heart glycogen synthase deficiency. Last evaluated: 2024-08-30. Review status: criteria provided, single submitter. Criteria: ACMG Guidelines, 2015. Collection method: clinical testing. Allele origin: germline.

OMIM
Classification: Pathogenic for GLYCOGEN STORAGE DISEASE 0, MUSCLE, CHILDHOOD-ONSET. Last evaluated: 2007-10-11. Review status: no assertion criteria provided. Collection method: literature only. Allele origin: germline. Not counted in ClinVar's aggregate classification.

Literature cited by the submitters: PubMed 17928598 (cited by Labcorp Genetics (formerly Invitae), Labcorp and OMIM); PubMed 19699667 (cited by Labcorp Genetics (formerly Invitae), Labcorp).

NM_002103.5(GYS1):c.1384C>T (p.Arg462Ter)

Gene: GYS1 (glycogen synthase 1; minus strand). Cytogenetic location: 19q13.33.
Variant type: single nucleotide variant.
Coding change: c.1384C>T on transcript NM_002103.5 (MANE Select); coding-DNA position 1384, C replaced by T.
Protein change: p.Arg462Ter; replaces arginine 462 with a stop codon.
Molecular consequence: nonsense. On other transcripts: non-coding transcript variant (1).
Genome position (GRCh38, 1-based): chr19:48,974,658, G>A on the plus strand (C>T on the coding strand, the complement: GYS1 is on the minus strand). VCF-style: chr19-48974658-G-A. GRCh37 (hg19) VCF-style: chr19-49477915-G-A.
Other names: c.1192C>T, p.Arg398Ter (NM_001161587.2); short protein forms R462*, R398*.
Identifiers: ClinVar variation 16057 (VCV000016057.6), dbSNP rs121434584, ClinGen allele CA126176.
Genomic context (GRCh38, chr19:48,974,658, plus strand): 5'-AGCCCTGACCAAATGCCCTCACCTTCACCCTGTCGGCACTGCTATTGAAGAGGCCGATTC[G>A]GCGGATGGTGGTCAGGATGGGGTCTGAGGAGTCATCCAGCATATTGTGGGTGCACACAGG-3'